The following is an entry in ClinVar:

NM_000350.3(ABCA4):c.2488G>T (p.Glu830Ter)

Gene: ABCA4 (ATP binding cassette subfamily A member 4; minus strand). Cytogenetic location: 1p22.1.
Variant type: single nucleotide variant.
Coding change: c.2488G>T on transcript NM_000350.3 (MANE Select); coding-DNA position 2488, G replaced by T.
Protein change: p.Glu830Ter; replaces glutamic acid 830 with a stop codon.
Molecular consequence: nonsense.
Genome position (GRCh38, 1-based): chr1:94,055,210, C>A on the plus strand (G>T on the coding strand, the complement: ABCA4 is on the minus strand). VCF-style: chr1-94055210-C-A. GRCh37 (hg19) VCF-style: chr1-94520766-C-A.
Other names: NM_000350.3:c.2488G>T; c.2266G>T, p.Glu756Ter (NM_001425324.1); short protein forms E756*, E830*.
Identifiers: ClinVar variation 4538553 (VCV004538553.1).
Genomic context (GRCh38, chr1:94,055,210, plus strand): 5'-AGACAGCAGCATCAAGGAGCATCATCTGCATGGACAGCAGGAAGCTGAATTCGTCCCCTT[C>A]CGTGGGACTGTTCCCGATGTTGCTCCACTGCAGCCCCAGGCCTTGCTCTTCAAAGCGAAC-3'

ClinVar aggregate classification (germline): Likely pathogenic (3 of 4 stars; one submission).

Conditions:
ABCA4-related retinopathy. Also called: ABCA4-related retinoapthy; ABCA4 retinoapthy. Identifiers: MedGen CN322612, MONDO:0800406.

Submission:

ClinGen ABCA4 Variant Curation Expert Panel, Clingen
Classification: Likely pathogenic for ABCA4-related retinopathy. Last evaluated: 2025-12-16. Review status: reviewed by expert panel. Criteria: ClinGen ABCA4 ACMG Specifications V1.0.0. Collection method: curation. Allele origin: germline. Inheritance: Autosomal recessive inheritance.
Comment: NM_000350.3(ABCA4):c.2488G>T (p.Glu830Ter) variant in ABCA4 is a nonsense variant predicted to cause a premature stop codon in biologically relevant exon 16 of 50 leading to nonsense mediated decay in a gene in which loss-of-function is an established disease mechanism (PVS1). This variant is absent from gnomAD v4.1.0 (PM2_Supporting). This variant has been reported in at least one proband affected with Stargardt disease (PMID: 32619608), but this case evidence was applied to other variant identified in this individual and not applied to this curation. In summary, this variant meets the criteria to be classified as likely pathogenic for ABCA4-related retinopathy based on the ACMG/AMP criteria applied, as specified by the ClinGen ABCA4 VCEP (Specification Version 1.0), as specified by the ClinGen ABCA4 Variant Curation Expert Panel: PVS1, PM2_Supporting.